The following is an entry in ClinVar:

NM_004656.4(BAP1):c.134G>C (p.Gly45Ala)

Gene: BAP1 (BRCA1 associated deubiquitinase 1; minus strand). Cytogenetic location: 3p21.1.
Variant type: single nucleotide variant.
Coding change: c.134G>C on transcript NM_004656.4 (MANE Select); coding-DNA position 134, G replaced by C.
Protein change: p.Gly45Ala; replaces glycine 45 with alanine.
Molecular consequence: missense variant.
Genome position (GRCh38, 1-based): chr3:52,408,595, C>G on the plus strand (G>C on the coding strand, the complement: BAP1 is on the minus strand). VCF-style: chr3-52408595-C-G. GRCh37 (hg19) VCF-style: chr3-52442611-C-G.
Other names: c.134G>C, p.Gly45Ala (NM_001410772.1); short protein forms G45A.
Identifiers: ClinVar variation 4741074 (VCV004741074.1).

ClinVar aggregate classification (germline): Uncertain significance (1 of 4 stars; one submission).

Conditions:
BAP1-related tumor predisposition syndrome (TPDS1). Also called: TUMOR PREDISPOSITION SYNDROME 1; BAP1 tumor predisposition syndrome; Tumor susceptibility linked to germline BAP1 mutations; COMMON Syndrome. Identifiers: Orphanet 289539, MedGen C3280492, MONDO:0013692, OMIM 614327.

Submission:

Labcorp Genetics (formerly Invitae), Labcorp
Classification: Uncertain significance for BAP1-related tumor predisposition syndrome. Last evaluated: 2025-01-28. Review status: criteria provided, single submitter. Criteria: Invitae Variant Classification Sherloc (09022015). Collection method: clinical testing. Allele origin: germline.
Comment: This sequence change replaces glycine, which is neutral and non-polar, with alanine, which is neutral and non-polar, at codon 45 of the BAP1 protein (p.Gly45Ala). This variant is not present in population databases (gnomAD no frequency). This variant has not been reported in the literature in individuals affected with BAP1-related conditions. Invitae Evidence Modeling of protein sequence and biophysical properties (such as structural, functional, and spatial information, amino acid conservation, physicochemical variation, residue mobility, and thermodynamic stability) indicates that this missense variant is expected to disrupt BAP1 protein function with a positive predictive value of 80%. This variant disrupts the p.Gly45 amino acid residue in BAP1. Other variant(s) that disrupt this residue have been determined to be pathogenic (internal data). This suggests that this residue is clinically significant, and that variants that disrupt this residue are likely to be disease-causing. In summary, the available evidence is currently insufficient to determine the role of this variant in disease. Therefore, it has been classified as a Variant of Uncertain Significance.